The following is an entry in ClinVar:

ClinVar aggregate classification (germline): Benign/Likely benign. Review status: criteria provided, multiple submitters, no conflicts (2 of 4 stars). 8 submissions from 8 submitters: Benign (7); Likely benign (1). Last evaluated 2026-01-27.

Conditions:
Bethlem myopathy 1A. Also called: MYOPATHY, BENIGN CONGENITAL, WITH CONTRACTURES; Bethlem myopathy 1; Bethlem Muscular Dystrophy. Identifiers: Orphanet 610, MedGen CN029274, MONDO:0024530, OMIM 158810.

Allele frequency attached by ClinVar (database versions not stated): gnomAD exomes 0.00554 and 0.00208; gnomAD 0.02152 and 0.02006; ESP Exome Variant Server 0.02194; TOPMed 0.02344; ExAC 0.00781; 1000 Genomes Project 0.02117; 1000 Genomes Project 30x 0.02233.
gnomAD v4.1: 6,253 of 1,604,564 alleles (0.39%); highest among the groups gnomAD compares: African/African-American, 6.6%; 192 homozygotes.

Submissions (8):

Labcorp Genetics (formerly Invitae), Labcorp
Classification: Benign for Bethlem myopathy 1A. Last evaluated: 2026-01-27. Review status: criteria provided, single submitter. Criteria: Invitae Variant Classification Sherloc (09022015). Collection method: clinical testing. Allele origin: germline.

Mayo Clinic Laboratories, Mayo Clinic
Classification: Benign. Last evaluated: 2018-06-22. Review status: criteria provided, single submitter. Criteria: ACMG Guidelines, 2015. Collection method: clinical testing. Allele origin: germline. Observed: 11 variant alleles.

Athena Diagnostics
Classification: Benign. Last evaluated: 2017-12-20. Review status: criteria provided, single submitter. Criteria: Athena Diagnostics Criteria. Collection method: clinical testing. Allele origin: germline.

GeneDx
Classification: Benign. Last evaluated: 2016-10-14. Review status: criteria provided, single submitter. Criteria: GeneDx Variant Classification (06012015). Collection method: clinical testing. Allele origin: germline. Affected: yes.
Comment: This variant is considered likely benign or benign based on one or more of the following criteria: it is a conservative change, it occurs at a poorly conserved position in the protein, it is predicted to be benign by multiple in silico algorithms, and/or has population frequency not consistent with disease.

Center for Pediatric Genomic Medicine, Children's Mercy Hospital and Clinics
Classification: Benign. Last evaluated: 2015-06-04. Review status: criteria provided, single submitter. Criteria: ACMG Guidelines, 2015. Collection method: clinical testing. Allele origin: germline.

Eurofins Ntd Llc (ga)
Classification: Benign. Last evaluated: 2012-07-09. Review status: criteria provided, single submitter. Criteria: EGL Classification Definitions 2015. Collection method: clinical testing. Allele origin: germline. Observed: 4 variant alleles, 3 heterozygotes, 1 homozygote.

Breakthrough Genomics
Classification: Likely benign. Review status: criteria provided, single submitter. Criteria: ACMG Guidelines, 2015. Collection method: not provided. Allele origin: germline. Inheritance: Autosomal recessive inheritance. Affected: yes.

PreventionGenetics, part of Exact Sciences
Classification: Benign. Review status: criteria provided, single submitter. Criteria: ACMG Guidelines, 2015. Collection method: clinical testing. Allele origin: germline.

NM_001849.4(COL6A2):c.3043A>C (p.Ile1015Leu)

Gene: COL6A2 (collagen type VI alpha 2 chain; plus strand). Cytogenetic location: 21q22.3.
Variant type: single nucleotide variant.
Coding change: c.3043A>C on transcript NM_001849.4 (MANE Select); coding-DNA position 3043, A replaced by C.
Protein change: p.Ile1015Leu; replaces isoleucine 1015 with leucine.
Molecular consequence: missense variant.
Genome position (GRCh38, 1-based): chr21:46,132,535, A>C. VCF-style: chr21-46132535-A-C. GRCh37 (hg19) VCF-style: chr21-47552449-A-C.
Identifiers: ClinVar variation 93952 (VCV000093952.21), dbSNP rs11910483, ClinGen allele CA147499.